The following is an entry in ClinVar:

NM_138701.4(MPLKIP):c.85G>A (p.Gly29Arg)

Gene: MPLKIP (M-phase specific PLK1 interacting protein; minus strand). Cytogenetic location: 7p14.1.
Variant type: single nucleotide variant.
Coding change: c.85G>A on transcript NM_138701.4 (MANE Select); coding-DNA position 85, G replaced by A.
Protein change: p.Gly29Arg; replaces glycine 29 with arginine.
Molecular consequence: missense variant.
Genome position (GRCh38, 1-based): chr7:40,134,483, C>T on the plus strand (G>A on the coding strand, the complement: MPLKIP is on the minus strand). VCF-style: chr7-40134483-C-T. GRCh37 (hg19) VCF-style: chr7-40174082-C-T.
Other names: short protein forms G29R.
Identifiers: ClinVar variation 3004610 (VCV003004610.3), dbSNP rs1344506754, ClinGen allele CA367308753.

ClinVar aggregate classification (germline): Uncertain significance (1 of 4 stars; one submission).

Submission:

Labcorp Genetics (formerly Invitae), Labcorp
Classification: Uncertain significance. Last evaluated: 2023-08-19. Review status: criteria provided, single submitter. Criteria: Invitae Variant Classification Sherloc (09022015). Collection method: clinical testing. Allele origin: germline.
Comment: This sequence change replaces glycine, which is neutral and non-polar, with arginine, which is basic and polar, at codon 29 of the MPLKIP protein (p.Gly29Arg). This variant is not present in population databases (gnomAD no frequency). This variant has not been reported in the literature in individuals affected with MPLKIP-related conditions. Experimental studies and prediction algorithms are not available or were not evaluated, and the functional significance of this variant is currently unknown. In summary, the available evidence is currently insufficient to determine the role of this variant in disease. Therefore, it has been classified as a Variant of Uncertain Significance.